The following is an entry in ClinVar:

NM_004064.5(CDKN1B):c.326T>G (p.Val109Gly)

Gene: CDKN1B (cyclin dependent kinase inhibitor 1B; plus strand). Cytogenetic location: 12p13.1.
Variant type: single nucleotide variant.
Coding change: c.326T>G on transcript NM_004064.5 (MANE Select); coding-DNA position 326, T replaced by G.
Protein change: p.Val109Gly; replaces valine 109 with glycine.
Molecular consequence: missense variant.
Genome position (GRCh38, 1-based): chr12:12,718,165, T>G. VCF-style: chr12-12718165-T-G. GRCh37 (hg19) VCF-style: chr12-12871099-T-G.
Other names: short protein forms V109G.
Identifiers: ClinVar variation 259226 (VCV000259226.39), dbSNP rs2066827, ClinGen allele CA6457461.

ClinVar aggregate classification (germline): Benign. Review status: criteria provided, multiple submitters, no conflicts (2 of 4 stars). 11 submissions from 11 submitters: Benign (11). Last evaluated 2026-02-04.

Conditions:
Hereditary cancer-predisposing syndrome. Also called: Tumor predisposition; Hereditary neoplastic syndrome; Hereditary Cancer Syndrome; Neoplastic Syndromes, Hereditary. Identifiers: Orphanet 140162, MedGen C0027672, MeSH D009386, MONDO:0015356.
Multiple endocrine neoplasia type 4. Also called: MULTIPLE ENDOCRINE NEOPLASIA, TYPE IV. Identifiers: Orphanet 276152, MedGen C1970712, MONDO:0012552, OMIM 610755.

Allele frequency attached by ClinVar (database versions not stated): 1000 Genomes Project 0.35923; gnomAD 0.36014; 1000 Genomes Project 30x 0.36790; TOPMed 0.37980; ESP Exome Variant Server 0.39186.
gnomAD v4.1: 416,614 of 1,613,296 alleles (26%); highest among the groups gnomAD compares: African/African-American, 73%; 64,983 homozygotes.

Submissions (11):

Labcorp Genetics (formerly Invitae), Labcorp
Classification: Benign for Multiple endocrine neoplasia type 4. Last evaluated: 2026-02-04. Review status: criteria provided, single submitter. Criteria: Invitae Variant Classification Sherloc (09022015). Collection method: clinical testing. Allele origin: germline.

ARUP Laboratories, Molecular Genetics and Genomics, ARUP Laboratories
Classification: Benign for Multiple endocrine neoplasia type 4. Last evaluated: 2025-07-18. Review status: criteria provided, single submitter. Criteria: ARUP Molecular Germline Variant Investigation Process 2024. Collection method: clinical testing. Allele origin: germline.

Blueprint Genetics
Classification: Benign. Last evaluated: 2024-11-27. Review status: criteria provided, single submitter. Criteria: ACMG Guidelines, 2015. Collection method: clinical testing. Allele origin: germline.

KCCC/NGS Laboratory, Kuwait Cancer Control Center
Classification: Benign for Multiple endocrine neoplasia type 4. Last evaluated: 2023-07-07. Review status: criteria provided, single submitter. Criteria: ACMG Guidelines, 2015. Collection method: clinical testing. Allele origin: germline. Affected: yes.

Mayo Clinic Laboratories, Mayo Clinic
Classification: Benign. Last evaluated: 2022-07-20. Review status: criteria provided, single submitter. Criteria: ACMG Guidelines, 2015. Collection method: clinical testing. Allele origin: germline. Observed: 169 variant alleles.
Comment: BA1, BP4

GeneDx
Classification: Benign. Last evaluated: 2018-06-22. Review status: criteria provided, single submitter. Criteria: GeneDx Variant Classification Process June 2021. Collection method: clinical testing. Allele origin: germline. Affected: yes.
Comment: This variant is associated with the following publications: (PMID: 21177330, 24920291, 19493606, 12727815, 23624368, 27153395, 28667701, 30297969, 24532476, 25824098)

Illumina Laboratory Services, Illumina
Classification: Benign for Multiple endocrine neoplasia type 4. Last evaluated: 2018-03-06. Review status: criteria provided, single submitter. Criteria: ICSL Variant Classification Criteria 13 December 2019. Collection method: clinical testing. Allele origin: germline.
Comment: This variant was observed in the ICSL laboratory as part of a predisposition screen in an ostensibly healthy population. It had not been previously curated by ICSL or reported in the Human Gene Mutation Database (HGMD: prior to June 1st, 2018), and was therefore a candidate for classification through an automated scoring system. Utilizing variant allele frequency, disease prevalence and penetrance estimates, and inheritance mode, an automated score was calculated to assess if this variant is too frequent to cause the disease. Based on the score and internal cut-off values, a variant classified as benign is not then subjected to further curation. The score for this variant resulted in a classification of benign for this disease.

Ambry Genetics
Classification: Benign for Hereditary cancer-predisposing syndrome. Last evaluated: 2016-11-18. Review status: criteria provided, single submitter. Criteria: Ambry Variant Classification Scheme 2023. Collection method: clinical testing. Allele origin: germline.

Laboratory for Molecular Medicine, Mass General Brigham Personalized Medicine
Classification: Benign. Last evaluated: 2016-03-29. Review status: criteria provided, single submitter. Criteria: LMM Criteria. Collection method: clinical testing. Allele origin: germline.
Comment: Variant identified in a genome or exome case(s) and assessed due to predicted null impact of the variant or pathogenic assertions in the literature or databases. Disclaimer: This variant has not undergone full assessment. The following are preliminary notes: Frequency

Breakthrough Genomics
Classification: Benign. Review status: criteria provided, single submitter. Criteria: ACMG Guidelines, 2015. Collection method: not provided. Allele origin: germline. Inheritance: Autosomal dominant inheritance. Affected: yes.

PreventionGenetics, part of Exact Sciences
Classification: Benign. Review status: criteria provided, single submitter. Criteria: ACMG Guidelines, 2015. Collection method: clinical testing. Allele origin: germline.